The following is an entry in ClinVar:

ClinVar aggregate classification (germline): Likely pathogenic (1 of 4 stars; one submission).

Conditions:
Chromosome 2q32-q33 deletion syndrome (GLASS). Also called: 2q33.1 deletion syndrome; Glass syndrome. Identifiers: Orphanet 251019, MedGen C2676739, MONDO:0012864, OMIM 612313.

Submission:

Labcorp Genetics (formerly Invitae), Labcorp
Classification: Likely pathogenic for Chromosome 2q32-q33 deletion syndrome. Last evaluated: 2023-11-13. Review status: criteria provided, single submitter. Criteria: Invitae Variant Classification Sherloc (09022015). Collection method: clinical testing. Allele origin: germline.
Comment: This variant, c.1226_1234del, results in the deletion of 3 amino acid(s) of the SATB2 protein (p.Gln409_Leu411del), but otherwise preserves the integrity of the reading frame. This variant is not present in population databases (gnomAD no frequency). This variant has been observed in individual(s) with clinical features of SATB2-related conditions (Invitae). In at least one individual the variant was observed to be de novo. ClinVar contains an entry for this variant (Variation ID: 2047609). Experimental studies and prediction algorithms are not available or were not evaluated, and the functional significance of this variant is currently unknown. In summary, the currently available evidence indicates that the variant is pathogenic, but additional data are needed to prove that conclusively. Therefore, this variant has been classified as Likely Pathogenic.

NM_001172509.2(SATB2):c.1226_1234del (p.Gln409_Leu411del)

Gene: SATB2 (SATB homeobox 2; minus strand). Cytogenetic location: 2q33.1.
Variant type: Deletion.
Coding change: c.1226_1234del on transcript NM_001172509.2 (MANE Select); coding-DNA positions 1226 to 1234, 9 bases deleted (AGTCTCTTC; older notation c.1226_1234delAGTCTCTTC).
Protein change: p.Gln409_Leu411del.
Molecular consequence: inframe deletion.
Genome position (GRCh38, 1-based): chr2:199,328,850-199,328,858, GAAGAGACT deleted on the plus strand (AGTCTCTTC on the coding strand, the reverse complement: SATB2 is on the minus strand); deleting any 9 consecutive bases within chr2:199,328,850-199,328,860 gives the same sequence; the c. name uses the placement nearest the transcript's 3' end. VCF-style (leftmost placement, unchanged base first): chr2-199328849-AGAAGAGACT-A. GRCh37 (hg19) VCF-style: chr2-200193572-AGAAGAGACT-A.
Other names: c.1226_1234del, p.Gln409_Leu411del (NM_001172517.1, NM_015265.4).
Identifiers: ClinVar variation 2047609 (VCV002047609.4), dbSNP rs2468868422, ClinGen allele CA2580065420.